The following is an entry in ClinVar:

ClinVar aggregate classification (germline): Likely pathogenic (1 of 4 stars; one submission).

Submission:

Dasa
Classification: Likely pathogenic. Last evaluated: 2025-05-30. Review status: criteria provided, single submitter. Criteria: DASA Assertion Criteria. Collection method: clinical testing. Allele origin: germline.
Comment: NM_000035.4(ALDOB):c.91del (p.Leu31Trpfs*7) is a frameshift variant in ALDOB predicted to alter the reading frame and introduce a premature termination codon and is predicted to result in an absent or altered protein product. Loss of function is an established disease mechanism for ALDOB-associated disorders. Also, this variant is absent from population databases. Based on the currently available evidence, this variant is classified as likely pathogenic.

NM_000035.4(ALDOB):c.91del (p.Leu31fs)

Gene: ALDOB (aldolase, fructose-bisphosphate B; minus strand). Cytogenetic location: 9q31.1.
Variant type: Deletion.
Coding change: c.91del on transcript NM_000035.4 (MANE Select); coding-DNA position 91, one base deleted (C; older notation c.91delC).
Protein change: p.Leu31fs; shifts the reading frame from leucine 31.
Molecular consequence: frameshift variant.
Genome position (GRCh38, 1-based): chr9:101,430,797, G deleted on the plus strand (C on the coding strand, the reverse complement: ALDOB is on the minus strand); the first of 2 consecutive G bases (chr9:101,430,797-101,430,798); deleting either gives the same sequence. VCF-style (leftmost placement, unchanged base first): chr9-101430796-AG-A. GRCh37 (hg19) VCF-style: chr9-104193078-AG-A.
Other names: short protein forms L31fs.
Identifiers: ClinVar variation 4886443 (VCV004886443.2).